The following is an entry in ClinVar:

NM_005559.4(LAMA1):c.5332A>G (p.Ser1778Gly)

Gene: LAMA1 (laminin subunit alpha 1; minus strand). Cytogenetic location: 18p11.31.
Variant type: single nucleotide variant.
Coding change: c.5332A>G on transcript NM_005559.4 (MANE Select); coding-DNA position 5332, A replaced by G.
Protein change: p.Ser1778Gly; replaces serine 1778 with glycine.
Molecular consequence: missense variant.
Genome position (GRCh38, 1-based): chr18:6,986,184, T>C on the plus strand (A>G on the coding strand, the complement: LAMA1 is on the minus strand). VCF-style: chr18-6986184-T-C. GRCh37 (hg19) VCF-style: chr18-6986183-T-C.
Other names: short protein forms S1778G.
Identifiers: ClinVar variation 1349800 (VCV001349800.6), dbSNP rs755902599, ClinGen allele CA401838584.

ClinVar aggregate classification (germline): Uncertain significance (1 of 4 stars; one submission).

gnomAD v4.1: 4 of 1,614,220 alleles (0.00025%); highest among the groups gnomAD compares: Non-Finnish European, 0.00034%; no homozygotes.

Submission:

Labcorp Genetics (formerly Invitae), Labcorp
Classification: Uncertain significance. Last evaluated: 2023-07-03. Review status: criteria provided, single submitter. Criteria: Invitae Variant Classification Sherloc (09022015). Collection method: clinical testing. Allele origin: germline.
Comment: In summary, the available evidence is currently insufficient to determine the role of this variant in disease. Therefore, it has been classified as a Variant of Uncertain Significance. Algorithms developed to predict the effect of missense changes on protein structure and function output the following: SIFT: "Not Available"; PolyPhen-2: "Benign"; Align-GVGD: "Not Available". The glycine amino acid residue is found in multiple mammalian species, which suggests that this missense change does not adversely affect protein function. This sequence change replaces serine, which is neutral and polar, with glycine, which is neutral and non-polar, at codon 1778 of the LAMA1 protein (p.Ser1778Gly). This variant is not present in population databases (gnomAD no frequency). This variant has not been reported in the literature in individuals affected with LAMA1-related conditions. ClinVar contains an entry for this variant (Variation ID: 1349800).